The following is an entry in ClinVar:

NM_003055.3(SLC18A3):c.1524C>G (p.Asp508Glu)

Genes: CHAT (choline O-acetyltransferase; plus strand), SLC18A3 (solute carrier family 18 member A3; plus strand). Cytogenetic location: 10q11.23.
Variant type: single nucleotide variant.
Coding change: c.1524C>G on transcript NM_003055.3 (MANE Select); coding-DNA position 1524, C replaced by G.
Protein change: p.Asp508Glu; replaces aspartic acid 508 with glutamic acid.
Molecular consequence: missense variant. On other transcripts: intron variant (1).
Genome position (GRCh38, 1-based): chr10:49,612,264, C>G. VCF-style: chr10-49612264-C-G. GRCh37 (hg19) VCF-style: chr10-50820310-C-G.
Other names: c.-69+3065C>G (NM_020984.4); short protein forms D508E.
Identifiers: ClinVar variation 1955826 (VCV001955826.5), dbSNP rs767148999, ClinGen allele CA5496990.

ClinVar aggregate classification (germline): Uncertain significance (1 of 4 stars; one submission).

Submission:

Labcorp Genetics (formerly Invitae), Labcorp
Classification: Uncertain significance. Last evaluated: 2022-07-11. Review status: criteria provided, single submitter. Criteria: Invitae Variant Classification Sherloc (09022015). Collection method: clinical testing. Allele origin: germline.
Comment: In summary, the available evidence is currently insufficient to determine the role of this variant in disease. Therefore, it has been classified as a Variant of Uncertain Significance. Algorithms developed to predict the effect of missense changes on protein structure and function output the following: SIFT: "Tolerated"; PolyPhen-2: "Benign"; Align-GVGD: "Class C0". The glutamic acid amino acid residue is found in multiple mammalian species, which suggests that this missense change does not adversely affect protein function. This variant has not been reported in the literature in individuals affected with SLC18A3-related conditions. This variant is present in population databases (rs767148999, gnomAD 0.003%). This sequence change replaces aspartic acid, which is acidic and polar, with glutamic acid, which is acidic and polar, at codon 508 of the SLC18A3 protein (p.Asp508Glu).